The following is an entry in ClinVar:

ClinVar aggregate classification (germline): Uncertain significance (1 of 4 stars; one submission).

gnomAD v4.1: 54 of 1,613,958 alleles (0.0033%); highest among the groups gnomAD compares: East Asian, 0.0089%; no homozygotes.

Submission:

ARUP Laboratories, Molecular Genetics and Genomics, ARUP Laboratories
Classification: Uncertain significance. Last evaluated: 2024-09-24. Review status: criteria provided, single submitter. Criteria: ARUP Molecular Germline Variant Investigation Process 2024. Collection method: clinical testing. Allele origin: germline.
Comment: The TET2 c.367C>T; p.Arg123Cys variant (rs749710391), to our knowledge, is not reported in the medical literature or gene specific databases. This variant is found in the general population with an overall allele frequency of 0.003% (9/281,846 allele) in the Genome Aggregation Database (v2.1.1). Computational analyses predict that this variant is neutral (REVEL: 0.014). Due to limited information, the clinical significance of this variant is uncertain at this time.

NM_001127208.3(TET2):c.367C>T (p.Arg123Cys)

Genes: TET2 (tet methylcytosine dioxygenase 2; plus strand), TET2-AS1 (TET2 antisense RNA 1; minus strand). Cytogenetic location: 4q24.
Variant type: single nucleotide variant.
Coding change: c.367C>T on transcript NM_001127208.3 (MANE Select); coding-DNA position 367, C replaced by T.
Protein change: p.Arg123Cys; replaces arginine 123 with cysteine.
Molecular consequence: missense variant.
Genome position (GRCh38, 1-based): chr4:105,234,309, C>T. VCF-style: chr4-105234309-C-T. GRCh37 (hg19) VCF-style: chr4-106155466-C-T.
Other names: c.367C>T, p.Arg123Cys (NM_017628.4); short protein forms R123C.
Identifiers: ClinVar variation 3766845 (VCV003766845.1).